The following is an entry in ClinVar:

NM_176787.5(PIGN):c.1337A>G (p.Asn446Ser)

Gene: PIGN (phosphatidylinositol glycan anchor biosynthesis class N; minus strand). Cytogenetic location: 18q21.33.
Variant type: single nucleotide variant.
Coding change: c.1337A>G on transcript NM_176787.5 (MANE Select); coding-DNA position 1337, A replaced by G.
Protein change: p.Asn446Ser; replaces asparagine 446 with serine.
Molecular consequence: missense variant.
Genome position (GRCh38, 1-based): chr18:62,113,231, T>C on the plus strand (A>G on the coding strand, the complement: PIGN is on the minus strand). VCF-style: chr18-62113231-T-C. GRCh37 (hg19) VCF-style: chr18-59780464-T-C.
Other names: c.1337A>G, p.Asn446Ser (NM_012327.6); short protein forms N446S.
Identifiers: ClinVar variation 1428393 (VCV001428393.4), dbSNP rs752377694, ClinGen allele CA8982327.
Genomic context (GRCh38, chr18:62,113,231, plus strand): 5'-TGAGACTTGATGATCAACAAAGAGGCATAAGATATCCATCCCACAAAACCAATAACAACA[T>C]TGACGCCCAAAAAGAATCTGTCATATGTGTGATAATAGGACAATCCTTTCAATGCAAGAT-3'
Protein context (NP_789744.1, residues 436-456): HTYDRFFLGV[Asn446Ser]VVIGFVGWIS

ClinVar aggregate classification (germline): Uncertain significance. Review status: criteria provided, multiple submitters, no conflicts (2 of 4 stars). 2 submissions from 2 submitters: Uncertain significance (2). Last evaluated 2022-04-08.

Conditions:
Multiple congenital anomalies-hypotonia-seizures syndrome 1 (MCAHS1). Also called: PIGN-CDG; Congenital disorder of glycosylation due to PIGN deficiency; GLYCOSYLPHOSPHATIDYLINOSITOL BIOSYNTHESIS DEFECT 3. Identifiers: Orphanet 280633, MedGen C3279775, MONDO:0013563, OMIM 614080.

Allele frequency attached by ClinVar (database versions not stated): gnomAD 0.00001; gnomAD exomes 0.00001; TOPMed 0.00001; ExAC 0.00002.

Submissions (2):

Labcorp Genetics (formerly Invitae), Labcorp
Classification: Uncertain significance for Multiple congenital anomalies-hypotonia-seizures syndrome 1. Last evaluated: 2022-04-08. Review status: criteria provided, single submitter. Criteria: Invitae Variant Classification Sherloc (09022015). Collection method: clinical testing. Allele origin: germline.
Comment: This sequence change replaces asparagine, which is neutral and polar, with serine, which is neutral and polar, at codon 446 of the PIGN protein (p.Asn446Ser). This variant is present in population databases (rs752377694, gnomAD 0.003%). This variant has not been reported in the literature in individuals affected with PIGN-related conditions. Algorithms developed to predict the effect of missense changes on protein structure and function output the following: SIFT: "Tolerated"; PolyPhen-2: "Benign"; Align-GVGD: "Class C0". The serine amino acid residue is found in multiple mammalian species, which suggests that this missense change does not adversely affect protein function. Algorithms developed to predict the effect of sequence changes on RNA splicing suggest that this variant may create or strengthen a splice site. In summary, the available evidence is currently insufficient to determine the role of this variant in disease. Therefore, it has been classified as a Variant of Uncertain Significance.

Blueprint Genetics
Classification: Uncertain significance. Last evaluated: 2019-09-27. Review status: criteria provided, single submitter. Criteria: ACMG Guidelines, 2015. Collection method: clinical testing. Allele origin: germline.